The following is an entry in ClinVar:

ClinVar aggregate classification (germline): Uncertain significance (1 of 4 stars; one submission).

Conditions:
Cardiomyopathy (CMYO). Also called: Cardiomyopathies. Identifiers: Orphanet 167848, MedGen C0878544, MONDO:0004994, HP:0001638. Inheritance: Various modes of inheritance.

Submission:

Color Diagnostics, LLC DBA Color Health
Classification: Uncertain significance for Cardiomyopathy. Last evaluated: 2021-10-01. Review status: criteria provided, single submitter. Criteria: ACMG Guidelines, 2015. Collection method: clinical testing. Allele origin: germline.
Comment: This missense variant replaces aspartic acid with asparagine at codon 34 of the TPM1 protein. Computational prediction suggests that this variant may not impact protein structure and function (internally defined REVEL score threshold <= 0.5, PMID: 27666373). To our knowledge, functional studies have not been reported for this variant. This variant has not been reported in individuals affected with cardiovascular disorders in the literature. This variant has not been identified in the general population by the Genome Aggregation Database (gnomAD). The available evidence is insufficient to determine the role of this variant in disease conclusively. Therefore, this variant is classified as a Variant of Uncertain Significance.

NM_001018005.2(TPM1):c.100G>A (p.Asp34Asn)

Gene: TPM1 (tropomyosin 1; plus strand). Cytogenetic location: 15q22.2.
Variant type: single nucleotide variant.
Coding change: c.100G>A on transcript NM_001018005.2 (MANE Select); coding-DNA position 100, G replaced by A.
Protein change: p.Asp34Asn; replaces aspartic acid 34 with asparagine.
Molecular consequence: missense variant. On other transcripts: non-coding transcript variant (11).
Genome position (GRCh38, 1-based): chr15:63,042,929, G>A. VCF-style: chr15-63042929-G-A. GRCh37 (hg19) VCF-style: chr15-63335128-G-A.
Other names: c.100G>A, p.Asp34Asn (NM_000366.6, NM_001018004.2, NM_001018006.2 and 24 more transcripts); short protein forms D34N.
Identifiers: ClinVar variation 2774662 (VCV002774662.2), dbSNP rs2542413105, ClinGen allele CA392718143.
Genomic context (GRCh38, chr15:63,042,929, plus strand): 5'-GACAAGGAGAACGCCTTGGATCGAGCTGAGCAGGCGGAGGCCGACAAGAAGGCGGCGGAA[G>A]ACAGGAGCAAGCAGGTCTGCGCCTCCCCGGCCCTGCGCCCGCGCCCAGAGCGCCGGGACT-3'
Protein context (NP_001018005.1, residues 24-44): QAEADKKAAE[Asp34Asn]RSKQLEDELV